The following is an entry in ClinVar:

ClinVar aggregate classification (germline): Likely pathogenic (1 of 4 stars; one submission).

Conditions:
Cholestanol storage disease (CTX). Also called: CEREBRAL CHOLESTERINOSIS; CTX: Cerebrotendinous xanthomatosis; Cerebrotendinous Xanthomatosis. Identifiers: Orphanet 909, MedGen C0238052, MONDO:0008948, OMIM 213700.

Submission:

Myriad Genetics, Inc.
Classification: Likely pathogenic for Cholestanol storage disease. Last evaluated: 2022-03-15. Review status: criteria provided, single submitter. Criteria: Myriad Women's Health Autosomal Recessive and X-Linked Classification Criteria (2021). Collection method: clinical testing. Allele origin: unknown.
Comment: NM_000784.3(CYP27A1):c.685_688delCTGC(L229Sfs*9) is expected to be pathogenic in the context of cerebrotendinous xanthomatosis. This variant is predicted to lead to an abnormal or absent protein product due to the creation of a premature termination codon in CYP27A1, a gene where loss-of-function variants are known to be pathogenic. Please note: this variant was assessed in the context of healthy population screening.

NM_000784.4(CYP27A1):c.685_688del (p.Leu229fs)

Gene: CYP27A1 (cytochrome P450 family 27 subfamily A member 1; plus strand). Cytogenetic location: 2q35.
Variant type: Microsatellite.
Coding change: c.685_688del on transcript NM_000784.4 (MANE Select); coding-DNA positions 685 to 688, 4 bases deleted (CTGC; older notation c.685_688delCTGC).
Protein change: p.Leu229fs; shifts the reading frame from leucine 229.
Molecular consequence: frameshift variant.
Genome position (GRCh38, 1-based): chr2:218,812,590-218,812,593, CTGC deleted; deleting any 4 consecutive bases within chr2:218,812,586-218,812,593 gives the same sequence; the c. name uses the placement nearest the transcript's 3' end. VCF-style (leftmost placement, unchanged base first): chr2-218812585-GCTGC-G. GRCh37 (hg19) VCF-style: chr2-219677308-GCTGC-G.
Other names: short protein forms L229fs.
Identifiers: ClinVar variation 1725257 (VCV001725257.2), dbSNP rs2470226900, ClinGen allele CA2580616693.